The following is an entry in ClinVar:

NM_024120.5(NDUFAF5):c.710dup (p.Thr238fs)

Gene: NDUFAF5 (NADH:ubiquinone oxidoreductase complex assembly factor 5; plus strand). Cytogenetic location: 20p12.1.
Variant type: Duplication.
Coding change: c.710dup on transcript NM_024120.5 (MANE Select); coding-DNA position 710, one base duplicated (T; older notation c.710dupT).
Protein change: p.Thr238fs; shifts the reading frame from threonine 238.
Molecular consequence: frameshift variant. On other transcripts: non-coding transcript variant (7).
Genome position (GRCh38, 1-based): chr20:13,801,676, T duplicated. VCF-style (leftmost placement, unchanged base first): chr20-13801675-C-CT. GRCh37 (hg19) VCF-style: chr20-13782321-C-CT.
Other names: c.626dup, p.Thr210fs (NM_001039375.3); c.239dup, p.Thr81fs (NM_001352403.2); c.149dup, p.Thr51fs (NM_001352406.2, NM_001352407.2); c.710dup, p.Thr238fs (NM_001352408.2); short protein forms T210fs, T51fs, T81fs, T238fs.
Identifiers: ClinVar variation 2808216 (VCV002808216.3), dbSNP rs2516189091, ClinGen allele CA2739277077.
Genomic context (GRCh38, chr20:13,801,675, plus strand): 5'-TCTCCTTTCACTGCTGTCAATGACCTGGGACATCTGCTTGGGAGAGCTGGCTTTAATACT[C>CT]TGACTGTGGTAACTATCAAGTTCGATTAACCCATAACTTACACAGTTCAAAAAAGAACTT-3'

ClinVar aggregate classification (germline): Pathogenic (1 of 4 stars; one submission).

Submission:

Labcorp Genetics (formerly Invitae), Labcorp
Classification: Pathogenic. Last evaluated: 2023-10-06. Review status: criteria provided, single submitter. Criteria: Invitae Variant Classification Sherloc (09022015). Collection method: clinical testing. Allele origin: germline.
Comment: This sequence change creates a premature translational stop signal (p.Thr238Aspfs*5) in the NDUFAF5 gene. It is expected to result in an absent or disrupted protein product. Loss-of-function variants in NDUFAF5 are known to be pathogenic (PMID: 26275793, 30473481, 32918965). This variant is not present in population databases (gnomAD no frequency). This variant has not been reported in the literature in individuals affected with NDUFAF5-related conditions. For these reasons, this variant has been classified as Pathogenic.

Literature cited by the submitters: PubMed 26275793; PubMed 30473481; PubMed 32918965.